The following is an entry in ClinVar:

NM_138694.4(PKHD1):c.10031T>G (p.Leu3344Ter)

Gene: PKHD1 (PKHD1 ciliary IPT domain containing fibrocystin/polyductin; minus strand). Cytogenetic location: 6p12.3.
Variant type: single nucleotide variant.
Coding change: c.10031T>G on transcript NM_138694.4 (MANE Select); coding-DNA position 10031, T replaced by G.
Protein change: p.Leu3344Ter; replaces leucine 3344 with a stop codon.
Molecular consequence: nonsense.
Genome position (GRCh38, 1-based): chr6:51,744,510, A>C on the plus strand (T>G on the coding strand, the complement: PKHD1 is on the minus strand). VCF-style: chr6-51744510-A-C. GRCh37 (hg19) VCF-style: chr6-51609308-A-C.
Other names: c.10031T>G, p.Leu3344Ter (NM_170724.3); short protein forms L3344*.
Identifiers: ClinVar variation 96365 (VCV000096365.20), dbSNP rs398124475, ClinGen allele CA224050.

ClinVar aggregate classification (germline): Pathogenic/Likely pathogenic. Review status: criteria provided, multiple submitters, no conflicts (2 of 4 stars). 7 submissions from 7 submitters: Pathogenic (5); Likely pathogenic (1). 1 of the submissions does not count toward it. Last evaluated 2025-05-27.

Conditions:
Polycystic kidney disease 4 (PKD4). Also called: POLYCYSTIC KIDNEY AND HEPATIC DISEASE 1; POLYCYSTIC KIDNEY DISEASE, INFANTILE, TYPE I; PKD3; Autosomal Recessive Polycystic Kidney Disease – PKHD1; POLYCYSTIC KIDNEY DISEASE 4 WITH OR WITHOUT POLYCYSTIC LIVER DISEASE. Identifiers: MedGen C4540575, MONDO:0033004, OMIM 263200.
Autosomal recessive polycystic kidney disease (ARPKD). Also called: AR polycystic kidney disease. Identifiers: Orphanet 731, Orphanet 8378, MedGen C0085548, MeSH D017044, MONDO:0009889.

gnomAD v4.1: 1 of 1,613,312 alleles (0.000062%); highest among the groups gnomAD compares: African/African-American, 0.0013%; no homozygotes.

Submissions (7):

Natera, Inc.
Classification: Pathogenic for Autosomal recessive polycystic kidney disease. Last evaluated: 2025-05-27. Review status: criteria provided, single submitter. Criteria: Natera Variant Classification Schema (03/2026). Collection method: clinical testing. Allele origin: germline.
Comment: The c.10031T>G variant in PKHD1 is a nonsense variant predicted to introduce a stop codon at amino acid 3344. This variant is expected to result in nonsense mediated decay, truncation, or a dysfunctional protein product. This variant is rare in the general population with a frequency below the threshold expected for the associated phenotype(s). This variant has been observed in one or more individuals affected with the associated recessive disease, as either homozygous or compound heterozygous with a second variant (PMID: 16133180). Given the available evidence, this variant is classified as Pathogenic.

Baylor Genetics
Classification: Pathogenic for Polycystic kidney disease 4. Last evaluated: 2024-01-05. Review status: criteria provided, single submitter. Criteria: ACMG Guidelines, 2015. Collection method: clinical testing. Allele origin: unknown.

Labcorp Genetics (formerly Invitae), Labcorp
Classification: Pathogenic for Autosomal recessive polycystic kidney disease. Last evaluated: 2023-09-30. Review status: criteria provided, single submitter. Criteria: Invitae Variant Classification Sherloc (09022015). Collection method: clinical testing. Allele origin: germline.
Comment: This variant is not present in population databases (gnomAD no frequency). This sequence change creates a premature translational stop signal (p.Leu3344*) in the PKHD1 gene. It is expected to result in an absent or disrupted protein product. Loss-of-function variants in PKHD1 are known to be pathogenic (PMID: 19940839). This premature translational stop signal has been observed in individual(s) with autosomal recessive polycystic kidney disease (PMID: 16133180). For these reasons, this variant has been classified as Pathogenic. ClinVar contains an entry for this variant (Variation ID: 96365).

Fulgent Genetics
Classification: Pathogenic for Polycystic kidney disease 4. Last evaluated: 2018-10-31. Review status: criteria provided, single submitter. Criteria: ACMG Guidelines, 2015. Collection method: clinical testing. Allele origin: unknown.

Women's Health and Genetics/Laboratory Corporation of America, LabCorp
Classification: Likely pathogenic for Autosomal recessive polycystic kidney disease. Last evaluated: 2018-10-29. Review status: criteria provided, single submitter. Criteria: LabCorp Variant Classification Summary - May 2015. Collection method: clinical testing. Allele origin: germline.
Comment: Variant summary: PKHD1 c.10031T>G (p.Leu3344X) results in a premature termination codon, predicted to cause a truncation of the encoded protein or absence of the protein due to nonsense mediated decay, which are commonly known mechanisms for disease. Truncations downstream of this position have been classified as pathogenic by our laboratory (eg. p.Leu3485fsX18, p.Val3546fsX22, p.Arg3772X). The variant was absent in 245968 control chromosomes (gnomAD). c.10031T>G has been reported in the literature in an individual affected with Polycystic Kidney and Hepatic Disease (Losekoot_2005). To our knowledge, no experimental evidence demonstrating an impact on protein function has been reported. A ClinVar submission from a clinical diagnostic laboratory (evaluation after 2014) cite the variant as pathogenic. Based on the evidence outlined above, the variant was classified as likely pathogenic.

Eurofins Ntd Llc (ga)
Classification: Pathogenic. Last evaluated: 2013-01-18. Review status: criteria provided, single submitter. Criteria: EGL Classification Definitions. Collection method: clinical testing. Allele origin: germline. Observed: 2 variant alleles, 2 heterozygotes, 1 homozygote.

Counsyl
Classification: Likely pathogenic for Polycystic kidney disease 4. Last evaluated: 2016-07-06. Review status: no assertion criteria provided. Collection method: clinical testing. Allele origin: unknown. Not counted in ClinVar's aggregate classification.

Literature cited by the submitters: PubMed 16133180 (cited by 4 submitters); PubMed 19940839 (cited by Labcorp Genetics (formerly Invitae), Labcorp).